The following is an entry in ClinVar:

NM_015450.3(POT1):c.26A>T (p.Tyr9Phe)

Gene: POT1 (protection of telomeres 1; minus strand). Cytogenetic location: 7q31.33.
Variant type: single nucleotide variant.
Coding change: c.26A>T on transcript NM_015450.3 (MANE Select); coding-DNA position 26, A replaced by T.
Protein change: p.Tyr9Phe; replaces tyrosine 9 with phenylalanine.
Molecular consequence: missense variant. On other transcripts: 5 prime UTR variant (1), non-coding transcript variant (3).
Genome position (GRCh38, 1-based): chr7:124,892,364, T>A on the plus strand (A>T on the coding strand, the complement: POT1 is on the minus strand). VCF-style: chr7-124892364-T-A. GRCh37 (hg19) VCF-style: chr7-124532418-T-A.
Other names: c.-237A>T (NM_001042594.2); short protein forms Y9F.
Identifiers: ClinVar variation 1369399 (VCV001369399.8), dbSNP rs2116629933, ClinGen allele CA369066278.

ClinVar aggregate classification (germline): Uncertain significance (1 of 4 stars; one submission).

Conditions:
Tumor predisposition syndrome 3 (TPDS3). Also called: Melanoma, cutaneous malignant, susceptibility to, 10; Glioma susceptibility 9; LONG TELOMERE SYNDROME, POT1-RELATED; POT1 Tumor Predisposition. Identifiers: Orphanet 618, MedGen C4014476, MONDO:0014368, OMIM 615848.

Submission:

Labcorp Genetics (formerly Invitae), Labcorp
Classification: Uncertain significance for Tumor predisposition syndrome 3. Last evaluated: 2021-07-24. Review status: criteria provided, single submitter. Criteria: Invitae Variant Classification Sherloc (09022015). Collection method: clinical testing. Allele origin: germline.
Comment: In summary, the available evidence is currently insufficient to determine the role of this variant in disease. Therefore, it has been classified as a Variant of Uncertain Significance. Algorithms developed to predict the effect of missense changes on protein structure and function are either unavailable or do not agree on the potential impact of this missense change (SIFT: "Tolerated"; PolyPhen-2: "Probably Damaging"; Align-GVGD: "Class C0"). This variant has not been reported in the literature in individuals affected with POT1-related conditions. This variant is not present in population databases (ExAC no frequency). This sequence change replaces tyrosine with phenylalanine at codon 9 of the POT1 protein (p.Tyr9Phe). The tyrosine residue is highly conserved and there is a small physicochemical difference between tyrosine and phenylalanine.